The following is an entry in ClinVar:

ClinVar aggregate classification (germline): Uncertain significance (1 of 4 stars; one submission).

gnomAD v4.1: 2 of 1,613,776 alleles (0.00012%); highest among the groups gnomAD compares: Non-Finnish European, 0.00017%; no homozygotes.

Submission:

Labcorp Genetics (formerly Invitae), Labcorp
Classification: Uncertain significance. Last evaluated: 2021-10-22. Review status: criteria provided, single submitter. Criteria: Invitae Variant Classification Sherloc (09022015). Collection method: clinical testing. Allele origin: germline.
Comment: Algorithms developed to predict the effect of missense changes on protein structure and function are either unavailable or do not agree on the potential impact of this missense change (SIFT: "Deleterious"; PolyPhen-2: "Possibly Damaging"; Align-GVGD: "Class C0"). This sequence change replaces proline with arginine at codon 293 of the NEDD4L protein (p.Pro293Arg). The proline residue is moderately conserved and there is a moderate physicochemical difference between proline and arginine. This variant is not present in population databases (ExAC no frequency). This variant has not been reported in the literature in individuals affected with NEDD4L-related conditions. In summary, the available evidence is currently insufficient to determine the role of this variant in disease. Therefore, it has been classified as a Variant of Uncertain Significance.

NM_001144967.3(NEDD4L):c.878C>G (p.Pro293Arg)

Gene: NEDD4L (NEDD4 like E3 ubiquitin protein ligase; plus strand). Cytogenetic location: 18q21.31.
Variant type: single nucleotide variant.
Coding change: c.878C>G on transcript NM_001144967.3 (MANE Select); coding-DNA position 878, C replaced by G.
Protein change: p.Pro293Arg; replaces proline 293 with arginine.
Molecular consequence: missense variant.
Genome position (GRCh38, 1-based): chr18:58,330,802, C>G. VCF-style: chr18-58330802-C-G. GRCh37 (hg19) VCF-style: chr18-55998034-C-G.
Other names: c.515C>G, p.Pro172Arg (NM_001144964.1, NM_001144965.2, NM_001144966.3 and 2 more transcripts); c.854C>G, p.Pro285Arg (NM_001144968.2, NM_001144969.2); c.878C>G, p.Pro293Arg (NM_001243960.2, NM_015277.6); short protein forms P172R, P293R, P285R.
Identifiers: ClinVar variation 1422647 (VCV001422647.6), dbSNP rs760793783, ClinGen allele CA402555562.
Genomic context (GRCh38, chr18:58,330,802, plus strand): 5'-GGGAGACCATTTCAGAGGAAGTGAATATCGCTGGAGACTCTCTCGGTCTGGCTCTGCCCC[C>G]ACCACCGGCCTCCCCAGGATCTCGGACCAGCCCTCAGGAGCTGTCAGAGGAACTAAGCAG-3'
Protein context (NP_001138439.1, residues 283-303): AGDSLGLALP[Pro293Arg]PPASPGSRTS